The following is an entry in ClinVar:

NM_178857.6(RP1L1):c.212G>A (p.Arg71His)

Gene: RP1L1 (RP1 like 1). Cytogenetic location: 8p23.1.
Variant type: single nucleotide variant.
Coding change: c.212G>A on transcript NM_178857.6 (MANE Select); coding-DNA position 212, G replaced by A.
Protein change: p.Arg71His; replaces arginine 71 with histidine.
Molecular consequence: missense variant.
Genome position (GRCh38, 1-based): chr8:10,622,990, C>T on the plus strand (G>A on the coding strand, the complement: RP1L1 is on the minus strand). VCF-style: chr8-10622990-C-T. GRCh37 (hg19) VCF-style: chr8-10480500-C-T.
Other names: c.212G>A (NM_178857.5); short protein forms R71H.
Identifiers: ClinVar variation 425436 (VCV000425436.53), dbSNP rs200996822, ClinGen allele CA4625819.
Genomic context (GRCh38, chr8:10,622,990, plus strand): 5'-CTGAGGCTATGCAGGCCCCGGGGTGTGGTGACAGAGCGCACCCCAAAGGAGAGAGGCACG[C>T]GCTGGGAGAGCTCGTCCATGAGGGCGCTGAAGGTCTTAAAGGCGCGCTGGTGAACGGCCA-3'
Protein context (NP_849188.4, residues 61-81): FSALMDELSQ[Arg71His]VPLSFGVRSV

ClinVar aggregate classification (germline): Conflicting classifications of pathogenicity. Review status: criteria provided, conflicting classifications (1 of 4 stars). 4 submissions from 4 submitters: Uncertain significance (3); Likely benign (1). Last evaluated 2026-07-07.

Conditions:
RP1L1-related disorder. Also called: RP1L1-related condition.

Allele frequency attached by ClinVar (database versions not stated): TOPMed 0.00025; 1000 Genomes Project 0.00040; ESP Exome Variant Server 0.00008; gnomAD 0.00011 and 0.00015; ExAC 0.00023; gnomAD exomes 0.00023.
gnomAD v4.1: 370 of 1,614,092 alleles (0.023%); highest among the groups gnomAD compares: Admixed American, 0.042%; 1 homozygote.

Submissions (4):

PreventionGenetics, part of Exact Sciences
Classification: Uncertain significance for RP1L1-related condition. Last evaluated: 2026-07-07. Review status: criteria provided, single submitter. Criteria: ACMG Guidelines, 2015. Collection method: clinical testing. Allele origin: germline.
Comment: The RP1L1 c.212G>A variant is predicted to result in the amino acid substitution p.Arg71His. This variant was reported, along with additional variants in the same gene, in an individual with macular dystrophy (Weisschuh et al. 2024. PubMed ID: 37734845). However, this variant is reported in 0.057% of alleles in individuals of Latino descent in gnomAD, which may be too frequent to a primary cause of disease. Although we suspect that this variant may be benign, at this time, the clinical significance of this variant is uncertain due to the absence of conclusive functional and genetic evidence.

CeGaT Center for Human Genetics Tuebingen
Classification: Uncertain significance. Last evaluated: 2025-10-01. Review status: criteria provided, single submitter. Criteria: CeGaT Center For Human Genetics Tuebingen Variant Classification Criteria Version 2. Collection method: clinical testing. Allele origin: germline. Affected: yes. Observed: 3 variant alleles.
Comment: RP1L1: PM2

Labcorp Genetics (formerly Invitae), Labcorp
Classification: Likely benign. Last evaluated: 2025-09-30. Review status: criteria provided, single submitter. Criteria: Invitae Variant Classification Sherloc (09022015). Collection method: clinical testing. Allele origin: germline.

Blueprint Genetics
Classification: Uncertain significance. Last evaluated: 2024-10-17. Review status: criteria provided, single submitter. Criteria: ACMG Guidelines, 2015. Collection method: clinical testing. Allele origin: germline.